The following is an entry in ClinVar:

NM_000146.4(FTL):c.73C>T (p.Leu25=)

Genes: FTL (ferritin light chain; plus strand), LOC130064892 (ATAC-STARR-seq lymphoblastoid active region 14919; plus strand). Cytogenetic location: 19q13.33.
Variant type: single nucleotide variant.
Coding change: c.73C>T on transcript NM_000146.4 (MANE Select); coding-DNA position 73, C replaced by T.
Protein change: p.Leu25=; no amino-acid change (leucine 25 retained).
Molecular consequence: synonymous variant.
Genome position (GRCh38, 1-based): chr19:48,965,580, C>T. VCF-style: chr19-48965580-C-T. GRCh37 (hg19) VCF-style: chr19-49468837-C-T.
Identifiers: ClinVar variation 329786 (VCV000329786.17), dbSNP rs201971200, ClinGen allele CA9562407.

ClinVar aggregate classification (germline): Benign/Likely benign. Review status: criteria provided, multiple submitters, no conflicts (2 of 4 stars). 5 submissions from 4 submitters: Benign (3); Likely benign (1). 1 of the submissions does not count toward it. Last evaluated 2025-11-28.

Conditions:
FTL-related disorder. Also called: FTL-related condition.
Hereditary hyperferritinemia with congenital cataracts. Also called: Hereditary hyperferritinemia cataract syndrome; Bonneau-Beaumont syndrome; HYPERFERRITINEMIA WITH OR WITHOUT CATARACT. Identifiers: Orphanet 163, MedGen C1833213, MONDO:0010952, OMIM 600886.
Neuroferritinopathy (NBIA3). Also called: NEURODEGENERATION WITH BRAIN IRON ACCUMULATION 3; BASAL GANGLIA DISEASE, ADULT-ONSET. Identifiers: Orphanet 157846, MedGen C1853578, MONDO:0011638, OMIM 606159.

Allele frequency attached by ClinVar (database versions not stated): gnomAD 0.00003; gnomAD exomes 0.00022 and 0.00041; TOPMed 0.00034; ExAC 0.00041; ESP Exome Variant Server 0.00054.
gnomAD v4.1: 401 of 1,613,804 alleles (0.025%); highest among the groups gnomAD compares: Non-Finnish European, 0.0053%; 2 homozygotes.

Submissions (5):

Labcorp Genetics (formerly Invitae), Labcorp
Classification: Benign for Neuroferritinopathy; Hereditary hyperferritinemia with congenital cataracts. Last evaluated: 2025-11-28. Review status: criteria provided, single submitter. Criteria: Invitae Variant Classification Sherloc (09022015). Collection method: clinical testing. Allele origin: germline.

GeneDx
Classification: Likely benign. Last evaluated: 2021-01-28. Review status: criteria provided, single submitter. Criteria: GeneDx Variant Classification Process June 2021. Collection method: clinical testing. Allele origin: germline. Affected: yes.

Illumina Laboratory Services, Illumina
Classification: Benign for Neuroferritinopathy. Last evaluated: 2018-01-12. Review status: criteria provided, single submitter. Criteria: ICSL Variant Classification Criteria 13 December 2019. Collection method: clinical testing. Allele origin: germline.
Comment: This variant was observed in the ICSL laboratory as part of a predisposition screen in an ostensibly healthy population. It had not been previously curated by ICSL or reported in the Human Gene Mutation Database (HGMD: prior to June 1st, 2018), and was therefore a candidate for classification through an automated scoring system. Utilizing variant allele frequency, disease prevalence and penetrance estimates, and inheritance mode, an automated score was calculated to assess if this variant is too frequent to cause the disease. Based on the score and internal cut-off values, a variant classified as benign is not then subjected to further curation. The score for this variant resulted in a classification of benign for this disease.

Illumina Laboratory Services, Illumina
Classification: Benign for Hereditary hyperferritinemia with congenital cataracts. Last evaluated: 2018-01-12. Review status: criteria provided, single submitter. Criteria: ICSL Variant Classification Criteria 13 December 2019. Collection method: clinical testing. Allele origin: germline.
Comment: the same text as in the submission from Illumina Laboratory Services, Illumina above.

PreventionGenetics, part of Exact Sciences
Classification: Benign for FTL-related condition. Last evaluated: 2019-07-02. Review status: no assertion criteria provided. Collection method: clinical testing. Allele origin: germline. Not counted in ClinVar's aggregate classification.
Comment: This variant is classified as benign based on ACMG/AMP sequence variant interpretation guidelines (Richards et al. 2015 PMID: 25741868, with internal and published modifications).